The following is an entry in ClinVar:

ClinVar aggregate classification (germline): Conflicting classifications of pathogenicity. Review status: criteria provided, conflicting classifications (1 of 4 stars). 7 submissions from 7 submitters: Uncertain significance (1); Benign (1); Likely benign (5). Last evaluated 2025-05-25.

Conditions:
Hereditary nonpolyposis colorectal neoplasms. Identifiers: MedGen C0009405, MeSH D003123.
Hereditary cancer-predisposing syndrome. Also called: Neoplastic Syndromes, Hereditary; Hereditary neoplastic syndrome; Tumor predisposition; Hereditary Cancer Syndrome. Identifiers: Orphanet 140162, MedGen C0027672, MeSH D009386, MONDO:0015356.
Lynch syndrome. Identifiers: Orphanet 144, MedGen C4552100, MONDO:0005835. Disease mechanism: loss of function.
Lynch syndrome 5 (LYNCH5). Also called: Colorectal cancer, hereditary nonpolyposis, type 5; Hereditary non-polyposis colorectal cancer, type 5. Identifiers: Orphanet 144, MedGen C1833477, MONDO:0013710, OMIM 614350. Disease mechanism: loss of function.

Allele frequency attached by ClinVar (database versions not stated): gnomAD exomes below 0.00001 and 0.00001.

Submissions (7):

Labcorp Genetics (formerly Invitae), Labcorp
Classification: Likely benign for Hereditary nonpolyposis colorectal neoplasms. Last evaluated: 2025-05-25. Review status: criteria provided, single submitter. Criteria: Invitae Variant Classification Sherloc (09022015). Collection method: clinical testing. Allele origin: germline.

Myriad Genetics, Inc.
Classification: Benign for Lynch syndrome 5. Last evaluated: 2024-12-20. Review status: criteria provided, single submitter. Criteria: Myriad Autosomal Dominant, Autosomal Recessive and X-Linked Classification Criteria (2023). Collection method: clinical testing. Allele origin: unknown.
Comment: This variant is considered benign. This variant is a silent/synonymous amino acid change and it is not expected to impact splicing.

Blueprint Genetics
Classification: Likely benign. Last evaluated: 2022-12-19. Review status: criteria provided, single submitter. Criteria: ACMG Guidelines, 2015. Collection method: clinical testing. Allele origin: germline.

Sema4
Classification: Uncertain significance for Hereditary cancer-predisposing syndrome. Last evaluated: 2021-09-15. Review status: criteria provided, single submitter. Criteria: Sema4 Curation Guidelines. Collection method: curation. Allele origin: germline.
Comment: The MSH6 c.975A>G (p.Q325=) variant has not been reported in literature to our knowledge. This variant was observed in 1/113690 chromosomes in the Non-Finnish European population according to the Genome Aggregation Database (PMID: 32461654). This variant has been reported in ClinVar (Variation ID 36600). In silico tools that predict the effect of sequence changes on splicing suggest this variant may impact splicing, though these predictions have not been confirmed by functional studies. The overall evidence is insufficient to meet ACMG/AMP criteria for classifying it as benign or pathogenic. In summary, the clinical significance of this variant is currently uncertain.

Ambry Genetics
Classification: Likely benign for Hereditary cancer-predisposing syndrome. Last evaluated: 2020-03-20. Review status: criteria provided, single submitter. Criteria: Ambry Variant Classification Scheme 2023. Collection method: clinical testing. Allele origin: germline.

GeneDx
Classification: Likely benign. Last evaluated: 2016-09-23. Review status: criteria provided, single submitter. Criteria: GeneDx Variant Classification (06012015). Collection method: clinical testing. Allele origin: germline. Affected: yes.
Comment: This variant is considered likely benign or benign based on one or more of the following criteria: it is a conservative change, it occurs at a poorly conserved position in the protein, it is predicted to be benign by multiple in silico algorithms, and/or has population frequency not consistent with disease.

Women's Health and Genetics/Laboratory Corporation of America, LabCorp
Classification: Likely benign for Hereditary non-polyposis colon cancer. Last evaluated: 2011-08-18. Review status: criteria provided, single submitter. Criteria: LabCorp Variant Classification Summary - May 2015. Collection method: curation, clinical testing. Allele origin: germline. Inheritance: autosomal unknown. Affected: yes.
ClinVar note: Converted during submission from likely benign to Likely benign.

NM_000179.3(MSH6):c.975A>G (p.Gln325=)

Gene: MSH6 (mutS homolog 6; plus strand). Cytogenetic location: 2p16.3.
Variant type: single nucleotide variant.
Coding change: c.975A>G on transcript NM_000179.3 (MANE Select); coding-DNA position 975, A replaced by G.
Protein change: p.Gln325=; no amino-acid change (glutamine 325 retained).
Molecular consequence: synonymous variant.
Genome position (GRCh38, 1-based): chr2:47,798,958, A>G. VCF-style: chr2-47798958-A-G. GRCh37 (hg19) VCF-style: chr2-48026097-A-G.
Other names: c.585A>G, p.Gln195= (NM_001281492.2); c.69A>G, p.Gln23= (NM_001281493.2, NM_001281494.2).
Identifiers: ClinVar variation 36600 (VCV000036600.19), dbSNP rs193922345, ClinGen allele CA016697.